The following is an entry in ClinVar:

NM_000059.4(BRCA2):c.6556T>A (p.Ser2186Thr)

Gene: BRCA2 (BRCA2 DNA repair associated; plus strand). Cytogenetic location: 13q13.1.
Variant type: single nucleotide variant.
Coding change: c.6556T>A on transcript NM_000059.4 (MANE Select); coding-DNA position 6556, T replaced by A.
Protein change: p.Ser2186Thr; replaces serine 2186 with threonine.
Molecular consequence: missense variant.
Genome position (GRCh38, 1-based): chr13:32,340,911, T>A. VCF-style: chr13-32340911-T-A. GRCh37 (hg19) VCF-style: chr13-32915048-T-A.
Other names: short protein forms S2186T.
Identifiers: ClinVar variation 939903 (VCV000939903.20), dbSNP rs2072559530, ClinGen allele CA387789823.

ClinVar aggregate classification (germline): Conflicting classifications of pathogenicity. Review status: criteria provided, conflicting classifications (1 of 4 stars). 7 submissions from 7 submitters: Uncertain significance (6); Likely benign (1). Last evaluated 2025-04-29.

Conditions:
Hereditary breast ovarian cancer syndrome. Also called: Hereditary breast and ovarian cancer; Hereditary breast and ovarian cancer syndrome (HBOC); BRCA1- and BRCA2-Associated Hereditary Breast and Ovarian Cancer; Breast and ovarian cancer; Hereditary breast and ovarian cancer syndrome; Hereditary breast and/or ovarian cancer syndrome. Identifiers: Orphanet 145, MedGen C0677776, MeSH D061325, MONDO:0003582. Disease mechanism: loss of function.
Breast-ovarian cancer, familial, susceptibility to, 2 (BROVCA2). Also called: BRCA2 Hereditary Breast and Ovarian Cancer. Identifiers: Orphanet 145, MedGen C2675520, MONDO:0012933, OMIM 612555. Disease mechanism: loss of function.
Hereditary cancer-predisposing syndrome. Also called: Tumor predisposition; Hereditary neoplastic syndrome; Neoplastic Syndromes, Hereditary; Hereditary Cancer Syndrome. Identifiers: Orphanet 140162, MedGen C0027672, MeSH D009386, MONDO:0015356.

Submissions (7):

Women's Health and Genetics/Laboratory Corporation of America, LabCorp
Classification: Uncertain significance. Last evaluated: 2025-04-29. Review status: criteria provided, single submitter. Criteria: LabCorp Variant Classification Summary - May 2015. Collection method: clinical testing. Allele origin: germline.
Comment: Variant summary: BRCA2 c.6556T>A (p.Ser2186Thr) results in a conservative amino acid change in the encoded protein sequence. Five of five in-silico tools predict a benign effect of the variant on protein function. The variant was absent in 246860 control chromosomes. The available data on variant occurrences in the general population are insufficient to allow any conclusion about variant significance. c.6556T>A has been observed in individual(s) affected with Hereditary Breast And Ovarian Cancer Syndrome (Saied_2021). These report(s) do not provide unequivocal conclusions about association of the variant with Hereditary Breast And Ovarian Cancer Syndrome. To our knowledge, no experimental evidence demonstrating an impact on protein function has been reported. The following publication have been ascertained in the context of this evaluation (PMID: 34296289). ClinVar contains an entry for this variant (Variation ID: 939903). Based on the evidence outlined above, the variant was classified as uncertain significance.

GeneDx
Classification: Uncertain significance. Last evaluated: 2025-04-16. Review status: criteria provided, single submitter. Criteria: GeneDx Variant Classification Process June 2021. Collection method: clinical testing. Allele origin: germline. Affected: yes.
Comment: Observed in an individual with a personal and family history of breast cancer (PMID: 34296289); Not observed at significant frequency in large population cohorts (gnomAD); In silico analysis indicates that this missense variant does not alter protein structure/function; Also known as 6784T>A; This variant is associated with the following publications: (PMID: 25010205, 34296289)

Labcorp Genetics (formerly Invitae), Labcorp
Classification: Uncertain significance for Hereditary breast ovarian cancer syndrome. Last evaluated: 2025-03-19. Review status: criteria provided, single submitter. Criteria: Invitae Variant Classification Sherloc (09022015). Collection method: clinical testing. Allele origin: germline.
Comment: This sequence change replaces serine, which is neutral and polar, with threonine, which is neutral and polar, at codon 2186 of the BRCA2 protein (p.Ser2186Thr). This variant is not present in population databases (gnomAD no frequency). This variant has not been reported in the literature in individuals affected with BRCA2-related conditions. ClinVar contains an entry for this variant (Variation ID: 939903). Invitae Evidence Modeling of protein sequence and biophysical properties (such as structural, functional, and spatial information, amino acid conservation, physicochemical variation, residue mobility, and thermodynamic stability) indicates that this missense variant is not expected to disrupt BRCA2 protein function with a negative predictive value of 95%. In summary, the available evidence is currently insufficient to determine the role of this variant in disease. Therefore, it has been classified as a Variant of Uncertain Significance.

Ambry Genetics
Classification: Uncertain significance for Hereditary cancer-predisposing syndrome. Last evaluated: 2024-11-20. Review status: criteria provided, single submitter. Criteria: Ambry Variant Classification Scheme 2023. Collection method: clinical testing. Allele origin: germline.
Comment: The p.S2186T variant (also known as c.6556T>A), located in coding exon 10 of the BRCA2 gene, results from a T to A substitution at nucleotide position 6556. The serine at codon 2186 is replaced by threonine, an amino acid with similar properties. This alteration was identified in an individual diagnosed with breast cancer (Saied MH et al. Mol Med Rep, 2021 Sep;24:). This amino acid position is poorly conserved in available vertebrate species. In addition, this alteration is predicted to be tolerated by in silico analysis. Based on the available evidence, the clinical significance of this variant remains unclear.

St. Jude Molecular Pathology, St. Jude Children's Research Hospital
Classification: Uncertain significance for Breast-ovarian cancer, familial, susceptibility to, 2. Last evaluated: 2024-06-26. Review status: criteria provided, single submitter. Criteria: St. Jude Assertion Criteria 2020. Collection method: clinical testing. Allele origin: germline.
Comment: The BRCA2 c.6556T>A (p.Ser2186Thr) missense change is absent in gnomAD v2.1.1. The in silico tool REVEL predicts a benign effect on protein function, but to our knowledge this prediction has not been confirmed by functional studies. To our knowledge, this variant has not been reported as pathogenic in individuals with BRCA2-related disease. In summary, the evidence currently available is insufficient to determine the clinical significance of this variant. It has therefore been classified as of uncertain significance.

All of Us Research Program, National Institutes of Health
Classification: Uncertain significance for Breast-ovarian cancer, familial, susceptibility to, 2. Last evaluated: 2023-12-01. Review status: criteria provided, single submitter. Criteria: ACMG Guidelines, 2015. Collection method: clinical testing. Allele origin: germline. Inheritance: Autosomal dominant inheritance. Observed: 1 variant allele, 1 heterozygote.
Comment: This study involves interpretation of variants in research participants for the purpose of population health screening. Participant phenotype was not available at the time of variant classification. Additional details can be found in publication PMID: 35346344, PMCID: PMC8962531

University of Washington Department of Laboratory Medicine, University of Washington
Classification: Likely benign for Hereditary cancer-predisposing syndrome. Last evaluated: 2023-03-23. Review status: criteria provided, single submitter. Criteria: Dines et al. (Genet Med. 2020). Collection method: curation. Allele origin: germline.
Comment: Missense variant in a coldspot region where missense variants are very unlikely to be pathogenic (PMID:31911673).

BRCA2 exon 11 coldspot. Reclassification based on statistical prior probability.

Literature cited by the submitters: PubMed 34296289 (cited by Women's Health and Genetics/Laboratory Corporation of America, LabCorp and Ambry Genetics).